The following is an entry in ClinVar:

ClinVar aggregate classification (germline): Uncertain significance (1 of 4 stars; one submission).

Submission:

ISCA site 15
Classification: Uncertain significance. Last evaluated: 2011-08-12. Review status: criteria provided, single submitter. Criteria: Kaminsky et al. (Genet Med. 2011). Collection method: clinical testing. Allele origin: de novo. Affected: yes. Observed: 1 variant allele.
Comment: Copy number variation identified through the course of routine clinical cytogenomic testing in postnatal populations. Clinical assertions have been curated as described in Kaminsky et al. 2011.

GRCh38/hg38 15q11.2(chr15:22358243-23066575)x1

Genes: CYFIP1 (cytoplasmic FMR1 interacting protein 1; minus strand), GOLGA6L22 (golgin A6 family like 22; plus strand), NIPA1 (NIPA magnesium transporter 1; plus strand), NIPA2 (NIPA magnesium transporter 2; plus strand), TUBGCP5 (tubulin gamma complex component 5; minus strand) and 16 more. Cytogenetic location: 15q11.2.
Variant type: copy number loss.
Change: copy number 1 (one copy instead of two) of chr15:22,358,243-23,066,575 (708.3 kb, GRCh38 coordinates, 1-based), cytogenetic band 15q11.2.
Identifiers: ClinVar variation 57530 (VCV000057530.1).